The following is an entry in ClinVar:

NM_024649.5(BBS1):c.1473+3G>A

Genes: BBS1 (Bardet-Biedl syndrome 1; plus strand), ZDHHC24 (zDHHC palmitoyltransferase 24; minus strand). Cytogenetic location: 11q13.2.
Variant type: single nucleotide variant.
Coding change: c.1473+3G>A on transcript NM_024649.5 (MANE Select); 3 bases into the intron after coding-DNA position 1473, G replaced by A.
Molecular consequence: intron variant.
Genome position (GRCh38, 1-based): chr11:66,529,955, G>A. VCF-style: chr11-66529955-G-A. GRCh37 (hg19) VCF-style: chr11-66297426-G-A.
Other names: c.560-467C>T (NM_001348571.2).
Identifiers: ClinVar variation 2415360 (VCV002415360.40), dbSNP rs1856699789, ClinGen allele CA938984780.

ClinVar aggregate classification (germline): Uncertain significance (1 of 4 stars; one submission).

Conditions:
Bardet-Biedl syndrome (BBS). Identifiers: Orphanet 110, MedGen C0752166, MONDO:0015229.

Allele frequency attached by ClinVar (database versions not stated): gnomAD 0.00001; gnomAD exomes below 0.00001; TOPMed 0.00001.
gnomAD v4.1: 4 of 1,599,150 alleles (0.00025%); highest among the groups gnomAD compares: Admixed American, 0.0051%; no homozygotes.

Submission:

Labcorp Genetics (formerly Invitae), Labcorp
Classification: Uncertain significance for Bardet-Biedl syndrome. Last evaluated: 2022-06-10. Review status: criteria provided, single submitter. Criteria: Invitae Variant Classification Sherloc (09022015). Collection method: clinical testing. Allele origin: germline.
Comment: This sequence change falls in intron 14 of the BBS1 gene. It does not directly change the encoded amino acid sequence of the BBS1 protein. It affects a nucleotide within the consensus splice site. This variant is not present in population databases (gnomAD no frequency). This variant has not been reported in the literature in individuals affected with BBS1-related conditions. Variants that disrupt the consensus splice site are a relatively common cause of aberrant splicing (PMID: 17576681, 9536098). Algorithms developed to predict the effect of sequence changes on RNA splicing suggest that this variant may disrupt the consensus splice site. In summary, the available evidence is currently insufficient to determine the role of this variant in disease. Therefore, it has been classified as a Variant of Uncertain Significance.

Literature cited by the submitters: PubMed 17576681; PubMed 9536098.